The following is an entry in ClinVar:

ClinVar aggregate classification (germline): Uncertain significance (1 of 4 stars; one submission).

gnomAD v4.1: 12 of 1,607,892 alleles (0.00075%); highest among the groups gnomAD compares: African/African-American, 0.016%; no homozygotes.

Submission:

Labcorp Genetics (formerly Invitae), Labcorp
Classification: Uncertain significance. Last evaluated: 2024-02-06. Review status: criteria provided, single submitter. Criteria: Invitae Variant Classification Sherloc (09022015). Collection method: clinical testing. Allele origin: germline.
Comment: This sequence change replaces serine, which is neutral and polar, with threonine, which is neutral and polar, at codon 633 of the CLPX protein (p.Ser633Thr). This variant is present in population databases (rs368753744, gnomAD 0.008%). This variant has not been reported in the literature in individuals affected with CLPX-related conditions. An algorithm developed to predict the effect of missense changes on protein structure and function (PolyPhen-2) suggests that this variant is likely to be tolerated. In summary, the available evidence is currently insufficient to determine the role of this variant in disease. Therefore, it has been classified as a Variant of Uncertain Significance.

NM_006660.5(CLPX):c.1898G>C (p.Ser633Thr)

Gene: CLPX (caseinolytic mitochondrial matrix peptidase chaperone subunit X; minus strand). Cytogenetic location: 15q22.31.
Variant type: single nucleotide variant.
Coding change: c.1898G>C on transcript NM_006660.5 (MANE Select); coding-DNA position 1898, G replaced by C.
Protein change: p.Ser633Thr; replaces serine 633 with threonine.
Molecular consequence: missense variant. On other transcripts: non-coding transcript variant (1).
Genome position (GRCh38, 1-based): chr15:65,150,827, C>G on the plus strand (G>C on the coding strand, the complement: CLPX is on the minus strand). VCF-style: chr15-65150827-C-G. GRCh37 (hg19) VCF-style: chr15-65443165-C-G.
Other names: short protein forms S633T.
Identifiers: ClinVar variation 3704782 (VCV003704782.2).